The following is an entry in ClinVar:

ClinVar aggregate classification (germline): Uncertain significance (1 of 4 stars; one submission).

Conditions:
3-methylglutaconic aciduria, type VIIB (MGCA7B). Also called: 3-methylglutaconic aciduria with cataracts, neurologic involvement and neutropenia; 3-methylglutaconic aciduria, type VII, with cataracts, neurologic involvement and neutropenia; CLPB Deficiency. Identifiers: Orphanet 445038, MedGen C5676893, MONDO:0014561, OMIM 616271.

Allele frequency attached by ClinVar (database versions not stated): gnomAD exomes below 0.00001.
gnomAD v4.1: 2 of 1,613,218 alleles (0.00012%); highest among the groups gnomAD compares: Non-Finnish European, 0.00017%; no homozygotes.

Submission:

Labcorp Genetics (formerly Invitae), Labcorp
Classification: Uncertain significance for 3-methylglutaconic aciduria, type VIIB. Last evaluated: 2021-02-17. Review status: criteria provided, single submitter. Criteria: Invitae Variant Classification Sherloc (09022015). Collection method: clinical testing. Allele origin: germline.
Comment: In summary, the available evidence is currently insufficient to determine the role of this variant in disease. Therefore, it has been classified as a Variant of Uncertain Significance. Algorithms developed to predict the effect of missense changes on protein structure and function are either unavailable or do not agree on the potential impact of this missense change (SIFT: "Deleterious"; PolyPhen-2: "Probably Damaging"; Align-GVGD: "Class C0"). This variant has not been reported in the literature in individuals with CLPB-related conditions. This variant is not present in population databases (ExAC no frequency). This sequence change replaces leucine with proline at codon 138 of the CLPB protein (p.Leu138Pro). The leucine residue is moderately conserved and there is a moderate physicochemical difference between leucine and proline.

NM_001258392.3(CLPB):c.413T>C (p.Leu138Pro)

Gene: CLPB (ClpB family mitochondrial disaggregase; minus strand). Cytogenetic location: 11q13.4.
Variant type: single nucleotide variant.
Coding change: c.413T>C on transcript NM_001258392.3 (MANE Select); coding-DNA position 413, T replaced by C.
Protein change: p.Leu138Pro; replaces leucine 138 with proline.
Molecular consequence: missense variant. On other transcripts: synonymous variant (1).
Genome position (GRCh38, 1-based): chr11:72,430,354, A>G on the plus strand (T>C on the coding strand, the complement: CLPB is on the minus strand). VCF-style: chr11-72430354-A-G. GRCh37 (hg19) VCF-style: chr11-72141398-A-G.
Other names: c.413T>C, p.Leu138Pro (NM_001258393.3, NM_030813.6); c.171T>C, p.Pro57= (NM_001258394.3); short protein forms L138P.
Identifiers: ClinVar variation 1511306 (VCV001511306.8), dbSNP rs1384482038, ClinGen allele CA381962706.